The following is an entry in ClinVar:

ClinVar aggregate classification (germline): Pathogenic. Review status: criteria provided, multiple submitters, no conflicts (2 of 4 stars). 3 submissions from 3 submitters: Pathogenic (3). Last evaluated 2024-08-27.

Conditions:
Bethlem myopathy 2 (BTHLM2). Identifiers: Orphanet 536516, Orphanet 610, MedGen C4225313, MONDO:0034022, OMIM 616471.
Ullrich congenital muscular dystrophy 2 (UCMD2). Identifiers: Orphanet 75840, MedGen C4225314, MONDO:0014654, OMIM 616470.

Allele frequency attached by ClinVar (database versions not stated): gnomAD 0.00001; TOPMed 0.00001.
gnomAD v4.1: 2 of 1,580,258 alleles (0.00013%); highest among the groups gnomAD compares: African/African-American, 0.0014%; no homozygotes.

Submissions (3):

Labcorp Genetics (formerly Invitae), Labcorp
Classification: Pathogenic for Bethlem myopathy 2; Ullrich congenital muscular dystrophy 2. Last evaluated: 2024-08-27. Review status: criteria provided, single submitter. Criteria: Invitae Variant Classification Sherloc (09022015). Collection method: clinical testing. Allele origin: germline.
Comment: This sequence change affects a donor splice site in intron 34 of the COL12A1 gene. It is expected to disrupt RNA splicing. Variants that disrupt the donor or acceptor splice site typically lead to a loss of protein function (PMID: 16199547), and loss-of-function variants in COL12A1 are known to be pathogenic (PMID: 24334604, 28973083). This variant is not present in population databases (gnomAD no frequency). Disruption of this splice site has been observed in individual(s) with clinical features of autosomal recessive COL12A1-related conditions (PMID: 33146414). In at least one individual the data is consistent with being in trans (on the opposite chromosome) from a pathogenic variant. ClinVar contains an entry for this variant (Variation ID: 1215037). Algorithms developed to predict the effect of sequence changes on RNA splicing suggest that this variant may disrupt the consensus splice site. For these reasons, this variant has been classified as Pathogenic.

GeneDx
Classification: Pathogenic. Last evaluated: 2023-07-14. Review status: criteria provided, single submitter. Criteria: GeneDx Variant Classification Process June 2021. Collection method: clinical testing. Allele origin: germline. Affected: yes.
Comment: Not observed at significant frequency in large population cohorts (gnomAD); Canonical splice site variant predicted to result in a null allele in a gene for which loss of function is a known mechanism of disease; This variant is associated with the following publications: (PMID: 28973083, 33146414)

Clinical Biomedical Laboratory, Shriners Hospital For Children - Canada
Classification: Pathogenic for Bethlem myopathy 2. Review status: criteria provided, single submitter. Criteria: ACMG Guidelines, 2015. Collection method: clinical testing. Allele origin: germline. Affected: yes.
Comment: This variant is predicted to disrupt a canonical splice site. This variant is not found in the Genome Aggregation Database, v2.1.1, indicating it is a rare variant. Splice AI prediction (1.00) is strong and suggests a donor loss at a canonical site. This gene is associated with autosomal dominant Bethlem myopathy 2, which is associated with joint hyperlaxity and has overlap with the phenotype of the patient (PubMed: 24334604). Based on the ACMG variant interpretation guidelines, the available evidence supports classification of this variant as pathogenic.

Literature cited by the submitters: PubMed 16199547 (cited by Labcorp Genetics (formerly Invitae), Labcorp); PubMed 24334604 (cited by Labcorp Genetics (formerly Invitae), Labcorp); PubMed 28973083 (cited by Labcorp Genetics (formerly Invitae), Labcorp); PubMed 33146414 (cited by Labcorp Genetics (formerly Invitae), Labcorp).

NM_004370.6(COL12A1):c.5794+2T>A

Gene: COL12A1 (collagen type XII alpha 1 chain; minus strand). Cytogenetic location: 6q13.
Variant type: single nucleotide variant.
Coding change: c.5794+2T>A on transcript NM_004370.6 (MANE Select); the canonical splice donor site of the intron after coding-DNA position 5794, T replaced by A.
Molecular consequence: splice donor variant.
Genome position (GRCh38, 1-based): chr6:75,133,291, A>T on the plus strand (T>A on the coding strand, the complement: COL12A1 is on the minus strand). VCF-style: chr6-75133291-A-T. GRCh37 (hg19) VCF-style: chr6-75843007-A-T.
Other names: c.2302+2T>A (NM_080645.3).
Identifiers: ClinVar variation 1215037 (VCV001215037.7), dbSNP rs1266090046, ClinGen allele CA364733849.